The following is an entry in ClinVar:

NM_005144.5(HR):c.1595_1596del (p.Thr532fs)

Gene: HR (HR lysine demethylase and nuclear receptor corepressor; minus strand). Cytogenetic location: 8p21.3.
Variant type: Microsatellite.
Coding change: c.1595_1596del on transcript NM_005144.5 (MANE Select); coding-DNA positions 1595 to 1596, 2 bases deleted (CA; older notation c.1595_1596delCA).
Protein change: p.Thr532fs; shifts the reading frame from threonine 532.
Molecular consequence: frameshift variant.
Genome position (GRCh38, 1-based): chr8:22,125,465-22,125,466, TG deleted on the plus strand (CA on the coding strand, the reverse complement: HR is on the minus strand); deleting any 2 consecutive bases within chr8:22,125,465-22,125,469 gives the same sequence; the c. name uses the placement nearest the transcript's 3' end. VCF-style (leftmost placement, unchanged base first): chr8-22125464-CTG-C. GRCh37 (hg19) VCF-style: chr8-21982977-CTG-C.
Other names: c.1595_1596del, p.Thr532fs (NM_018411.4); short protein forms T532fs.
Identifiers: ClinVar variation 2633428 (VCV002633428.1), dbSNP rs2538884048, ClinGen allele CA2695199657.

ClinVar aggregate classification (germline): Likely pathogenic (1 of 4 stars; one submission).

Conditions:
HR-related disorder. Also called: HR-related condition; HR-related disorders. Identifiers: MedGen CN239293.

Submission:

PreventionGenetics, part of Exact Sciences
Classification: Likely pathogenic for HR-related condition. Last evaluated: 2023-03-13. Review status: criteria provided, single submitter. Criteria: ACMG Guidelines, 2015. Collection method: clinical testing. Allele origin: germline.
Comment: The HR c.1595_1596delCA variant is predicted to result in a frameshift and premature protein termination (p.Thr532Serfs*7). To our knowledge, this variant has not been reported in the literature or in a large population database, indicating this variant is rare. Frameshift variants in HR are expected to be pathogenic. This variant is interpreted as likely pathogenic.